The following is an entry in ClinVar:

NM_000222.3(KIT):c.1442G>T (p.Ser481Ile)

Gene: KIT (KIT proto-oncogene, receptor tyrosine kinase; plus strand). Cytogenetic location: 4q12.
Variant type: single nucleotide variant.
Coding change: c.1442G>T on transcript NM_000222.3 (MANE Select); coding-DNA position 1442, G replaced by T.
Protein change: p.Ser481Ile; replaces serine 481 with isoleucine.
Molecular consequence: missense variant.
Genome position (GRCh38, 1-based): chr4:54,725,952, G>T. VCF-style: chr4-54725952-G-T. GRCh37 (hg19) VCF-style: chr4-55592118-G-T.
Other names: c.1442G>T, p.Ser481Ile (NM_001093772.2, NM_001385285.1, NM_001385286.1); c.1445G>T, p.Ser482Ile (NM_001385284.1, NM_001385288.1, NM_001385290.1 and 1 more transcripts); short protein forms S482I, S481I.
Identifiers: ClinVar variation 4093187 (VCV004093187.1).

ClinVar aggregate classification (germline): Uncertain significance (1 of 4 stars; one submission).

Conditions:
Hereditary cancer-predisposing syndrome. Also called: Tumor predisposition; Neoplastic Syndromes, Hereditary; Hereditary neoplastic syndrome; Hereditary Cancer Syndrome. Identifiers: Orphanet 140162, MedGen C0027672, MeSH D009386, MONDO:0015356.

Submission:

Ambry Genetics
Classification: Uncertain significance for Hereditary cancer-predisposing syndrome. Last evaluated: 2025-08-01. Review status: criteria provided, single submitter. Criteria: Ambry Variant Classification Scheme 2023. Collection method: clinical testing. Allele origin: germline.
Comment: The p.S481I variant (also known as c.1442G>T), located in coding exon 9 of the KIT gene, results from a G to T substitution at nucleotide position 1442. The serine at codon 481 is replaced by isoleucine, an amino acid with dissimilar properties. This amino acid position is conserved. In addition, this alteration is predicted to be tolerated by in silico analysis. Based on the available evidence, the clinical significance of this variant remains unclear.